The following is an entry in ClinVar:

ClinVar aggregate classification (germline): Uncertain significance (1 of 4 stars; one submission).

Conditions:
Mevalonic aciduria (MEVA). Identifiers: Orphanet 29, MedGen C1959626, MONDO:0012481, OMIM 610377.
Porokeratosis 3, disseminated superficial actinic type (POROK3). Also called: POROKERATOSIS 3, MULTIPLE TYPES; POROKERATOSIS 3, MIBELLI TYPE; POROKERATOSIS, DISSEMINATED SUPERFICIAL ACTINIC, 1. Identifiers: MedGen C1867981, MONDO:0008293, OMIM 175900.
Hyperimmunoglobulin D with periodic fever (HIDS). Also called: HYPERIMMUNOGLOBULINEMIA D AND PERIODIC FEVER SYNDROME; Hyperimmunoglobulinemia D; Hyperimmunoglobulinemia D with periodic fever. Identifiers: Orphanet 343, MedGen C0398691, MONDO:0009849, OMIM 260920.

Submission:

Labcorp Genetics (formerly Invitae), Labcorp
Classification: Uncertain significance for Mevalonic aciduria; Hyperimmunoglobulin D with periodic fever; Porokeratosis 3, disseminated superficial actinic type. Last evaluated: 2024-03-09. Review status: criteria provided, single submitter. Criteria: Invitae Variant Classification Sherloc (09022015). Collection method: clinical testing. Allele origin: germline.
Comment: This sequence change replaces glycine, which is neutral and non-polar, with aspartic acid, which is acidic and polar, at codon 340 of the MVK protein (p.Gly340Asp). This variant is not present in population databases (gnomAD no frequency). This variant has not been reported in the literature in individuals affected with MVK-related conditions. Advanced modeling of protein sequence and biophysical properties (such as structural, functional, and spatial information, amino acid conservation, physicochemical variation, residue mobility, and thermodynamic stability) performed at Invitae indicates that this missense variant is expected to disrupt MVK protein function with a positive predictive value of 80%. In summary, the available evidence is currently insufficient to determine the role of this variant in disease. Therefore, it has been classified as a Variant of Uncertain Significance.

NM_000431.4(MVK):c.1019G>A (p.Gly340Asp)

Gene: MVK (mevalonate kinase; plus strand). Cytogenetic location: 12q24.11.
Variant type: single nucleotide variant.
Coding change: c.1019G>A on transcript NM_000431.4 (MANE Select); coding-DNA position 1019, G replaced by A.
Protein change: p.Gly340Asp; replaces glycine 340 with aspartic acid.
Molecular consequence: missense variant. On other transcripts: non-coding transcript variant (4).
Genome position (GRCh38, 1-based): chr12:109,595,161, G>A. VCF-style: chr12-109595161-G-A. GRCh37 (hg19) VCF-style: chr12-110032966-G-A.
Other names: c.1019G>A, p.Gly340Asp (NM_001114185.3, NM_001414511.1, NM_001414513.1); c.863G>A, p.Gly288Asp (NM_001301182.2, NM_001414514.1); c.1094G>A, p.Gly365Asp (NM_001414512.1); c.437G>A, p.Gly146Asp (NM_001414515.1); short protein forms G146D, G288D, G340D, G365D.
Identifiers: ClinVar variation 3755204 (VCV003755204.2).